The following is an entry in ClinVar:

NM_148919.4(PSMB8):c.815G>A (p.Arg272Gln)

Gene: PSMB8 (proteasome 20S subunit beta 8; minus strand). Cytogenetic location: 6p21.32.
Variant type: single nucleotide variant.
Coding change: c.815G>A on transcript NM_148919.4 (MANE Select); coding-DNA position 815, G replaced by A.
Protein change: p.Arg272Gln; replaces arginine 272 with glutamine.
Molecular consequence: missense variant.
Genome position (GRCh38, 1-based): chr6:32,840,975, C>T on the plus strand (G>A on the coding strand, the complement: PSMB8 is on the minus strand). VCF-style: chr6-32840975-C-T. GRCh37 (hg19) VCF-style: chr6-32808752-C-T.
Other names: c.803G>A, p.Arg268Gln (LRG_1328t2, NM_004159.5); c.815G>A, p.Arg272Gln (LRG_1328t1); short protein forms R268Q, R272Q.
Identifiers: ClinVar variation 465423 (VCV000465423.10), dbSNP rs368551668, ClinGen allele CA3746269.

ClinVar aggregate classification (germline): Conflicting classifications of pathogenicity. Review status: criteria provided, conflicting classifications (1 of 4 stars). 3 submissions from 3 submitters: Uncertain significance (2); Likely benign (1). Last evaluated 2024-12-09.

Conditions:
Proteosome-associated autoinflammatory syndrome. Also called: Proteasome-associated autoinflammatory syndrome. Identifiers: Orphanet 324977, MedGen C1850568, MONDO:0009726.
Inborn genetic diseases. Identifiers: MedGen C0950123, MeSH D030342.
Proteasome-associated autoinflammatory syndrome 1 (PRAAS1). Also called: Nakajo syndrome; JOINT CONTRACTURES, MUSCULAR ATROPHY, MICROCYTIC ANEMIA, AND PANNICULITIS-INDUCED LIPODYSTROPHY; JMP SYNDROME; AUTOINFLAMMATION, LIPODYSTROPHY, AND DERMATOSIS SYNDROME; NAKAJO-NISHIMURA SYNDROME; CHRONIC ATYPICAL NEUTROPHILIC DERMATOSIS WITH LIPODYSTROPHY AND ELEVATED TEMPERATURE SYNDROME. Identifiers: Orphanet 2615, Orphanet 324977, Orphanet 324999, Orphanet 325004, MedGen C4746851, MONDO:0054698, OMIM 256040.

Allele frequency attached by ClinVar (database versions not stated): ESP Exome Variant Server 0.00008; 1000 Genomes Project 30x 0.00016; TOPMed 0.00014.

Submissions (3):

Labcorp Genetics (formerly Invitae), Labcorp
Classification: Uncertain significance for Proteosome-associated autoinflammatory syndrome. Last evaluated: 2024-12-09. Review status: criteria provided, single submitter. Criteria: Invitae Variant Classification Sherloc (09022015). Collection method: clinical testing. Allele origin: germline.
Comment: This sequence change replaces arginine, which is basic and polar, with glutamine, which is neutral and polar, at codon 272 of the PSMB8 protein (p.Arg272Gln). This variant is present in population databases (rs368551668, gnomAD 0.04%). This variant has not been reported in the literature in individuals affected with PSMB8-related conditions. ClinVar contains an entry for this variant (Variation ID: 465423). An algorithm developed to predict the effect of missense changes on protein structure and function outputs the following: PolyPhen-2: "Benign". The glutamine amino acid residue is found in multiple mammalian species, which suggests that this missense change does not adversely affect protein function. In summary, the available evidence is currently insufficient to determine the role of this variant in disease. Therefore, it has been classified as a Variant of Uncertain Significance.

Ambry Genetics
Classification: Likely benign for Inborn genetic diseases. Last evaluated: 2024-10-04. Review status: criteria provided, single submitter. Criteria: Ambry Variant Classification Scheme 2023. Collection method: clinical testing. Allele origin: germline.

Center for Genomics, Ann and Robert H. Lurie Children's Hospital of Chicago
Classification: Uncertain significance for Proteasome-associated autoinflammatory syndrome 1. Last evaluated: 2022-07-12. Review status: criteria provided, single submitter. Criteria: ACMG Guidelines, 2015. Collection method: clinical testing. Allele origin: germline.
Comment: This variant has not been reported in the literature but is present in the Genome Aggregation Database (Highest reported MAF 0.04% (18/41414). This variant is present in ClinVar (Variation ID:465423). This variant amino acid Glutamine (Gln) is present in several species including multiple mammals and is not well conserved among evolutionarily distant species; this suggests that this variant may not impact the protein. Additional computational prediction tools do not suggest an impact. In summary, data on this variant is insufficient for disease classification. Therefore, the clinical significance of this variant is uncertain.